The following is an entry in ClinVar:

ClinVar aggregate classification (germline): Benign/Likely benign. Review status: criteria provided, multiple submitters, no conflicts (2 of 4 stars). 2 submissions from 2 submitters: Benign (1); Likely benign (1). Last evaluated 2026-01-28.

Allele frequency attached by ClinVar (database versions not stated): TOPMed 0.00006; gnomAD 0.00009; 1000 Genomes Project 30x 0.00094; 1000 Genomes Project 0.00100.
gnomAD v4.1: 328 of 1,613,988 alleles (0.02%); highest among the groups gnomAD compares: South Asian, 0.24%; 1 homozygote.

Submissions (2):

Labcorp Genetics (formerly Invitae), Labcorp
Classification: Benign. Last evaluated: 2026-01-28. Review status: criteria provided, single submitter. Criteria: Invitae Variant Classification Sherloc (09022015). Collection method: clinical testing. Allele origin: germline.

CeGaT Center for Human Genetics Tuebingen
Classification: Likely benign. Last evaluated: 2024-10-01. Review status: criteria provided, single submitter. Criteria: CeGaT Center For Human Genetics Tuebingen Variant Classification Criteria Version 2. Collection method: clinical testing. Allele origin: germline. Affected: yes. Observed: 3 variant alleles.
Comment: TRRAP: BP4, BP7

NM_001375524.1(TRRAP):c.8625G>A (p.Ala2875=)

Gene: TRRAP (transformation/transcription domain associated protein; plus strand). Cytogenetic location: 7q22.1.
Variant type: single nucleotide variant.
Coding change: c.8625G>A on transcript NM_001375524.1 (MANE Select); coding-DNA position 8625, G replaced by A.
Protein change: p.Ala2875=; no amino-acid change (alanine 2875 retained).
Molecular consequence: synonymous variant.
Genome position (GRCh38, 1-based): chr7:98,978,895, G>A. VCF-style: chr7-98978895-G-A. GRCh37 (hg19) VCF-style: chr7-98576518-G-A.
Other names: c.8604G>A, p.Ala2868= (NM_001244580.2); c.8550G>A, p.Ala2850= (NM_003496.4).
Identifiers: ClinVar variation 2072961 (VCV002072961.28), dbSNP rs55716100, ClinGen allele CA4361485.